The following is an entry in ClinVar:

ClinVar aggregate classification (germline): Benign (1 of 4 stars; one submission).

Conditions:
Maturity-onset diabetes of the young (MODY). Also called: Maturity onset diabetes mellitus in young. Identifiers: Orphanet 552, MedGen C0342276, MONDO:0018911, HP:0004904.

Submission:

Clinical Genomics, Uppaluri K&H Personalized Medicine Clinic
Classification: Benign for Maturity-onset diabetes of the young. Review status: criteria provided, single submitter. Criteria: K & H Uppaluri Personalized Medicine Clinic Variant Classification & Assertion Criteria_Updated V.1. Collection method: research. Allele origin: unknown. Inheritance: Autosomal dominant inheritance.
Comment: Mutations in HNF1A gene can predispose to MODY3. It is associated with both micro and macrovascular complications of diabetes, especially cardiovascular complications. Associated with glucosuria. May respond well to sulfonylureas. However, more evidence is required to confer the association of this particular variant rs193922590 with MODY3.

Literature cited by the submitters: PubMed 31517624; PubMed 32395877; PubMed 35328643; PubMed 35673428.

NM_000545.8(HNF1A):c.1768+65del

Gene: HNF1A (HNF1 homeobox A; plus strand). Cytogenetic location: 12q24.31.
Variant type: Deletion.
Coding change: c.1768+65del on transcript NM_000545.8 (MANE Select); 65 bases into the intron after coding-DNA position 1768, one base deleted (C; older notation c.1768+65delC).
Molecular consequence: intron variant.
Genome position (GRCh38, 1-based): chr12:120,999,692, C deleted; the last of 4 consecutive C bases (chr12:120,999,689-120,999,692); deleting any one gives the same sequence. VCF-style (leftmost placement, unchanged base first): chr12-120999688-AC-A. GRCh37 (hg19) VCF-style: chr12-121437491-AC-A.
Other names: c.1789+65del (NM_001306179.2).
Identifiers: ClinVar variation 1727225 (VCV001727225.1), dbSNP rs193922590, ClinGen allele CA244536419.